The following is an entry in ClinVar:

NM_021926.4(ALX4):c.17G>C (p.Cys6Ser)

Gene: ALX4 (ALX homeobox 4; minus strand). Cytogenetic location: 11p11.2.
Variant type: single nucleotide variant.
Coding change: c.17G>C on transcript NM_021926.4 (MANE Select); coding-DNA position 17, G replaced by C.
Protein change: p.Cys6Ser; replaces cysteine 6 with serine.
Molecular consequence: missense variant.
Genome position (GRCh38, 1-based): chr11:44,310,046, C>G on the plus strand (G>C on the coding strand, the complement: ALX4 is on the minus strand). VCF-style: chr11-44310046-C-G. GRCh37 (hg19) VCF-style: chr11-44331596-C-G.
Other names: short protein forms C6S.
Identifiers: ClinVar variation 3032817 (VCV003032817.2), dbSNP rs2539865875, ClinGen allele CA380416737.
Genomic context (GRCh38, chr11:44,310,046, plus strand): 5'-TGCGACACCGGGCTGTAGTAGGCGTCCATGGCAGCGGCCGGCGACTCGCAGTAAGAGACG[C>G]AAGTCTCAGCATTCATGCCTGGCTTGCGCAGGCGGCGGGCGGGGACGCGAGCGAGGGCGC-3'
Protein context (NP_068745.2, residues 1-16): MNAET[Cys6Ser]VSYCESPAAA

ClinVar aggregate classification (germline): Uncertain significance (0 of 4 stars; one submission).

Conditions:
ALX4-related disorder. Also called: ALX4-related condition.

Submission:

PreventionGenetics, part of Exact Sciences
Classification: Uncertain significance for ALX4-related condition. Last evaluated: 2023-12-12. Review status: no assertion criteria provided. Collection method: clinical testing. Allele origin: germline.
Comment: The ALX4 c.17G>C variant is predicted to result in the amino acid substitution p.Cys6Ser. To our knowledge, this variant has not been reported in the literature or in a large population database, indicating this variant is rare. At this time, the clinical significance of this variant is uncertain due to the absence of conclusive functional and genetic evidence.